The following is an entry in ClinVar:

NM_001365999.1(SZT2):c.6352G>T (p.Ala2118Ser)

Gene: SZT2 (SZT2 subunit of KICSTOR complex; plus strand). Cytogenetic location: 1p34.2.
Variant type: single nucleotide variant.
Coding change: c.6352G>T on transcript NM_001365999.1 (MANE Select); coding-DNA position 6352, G replaced by T.
Protein change: p.Ala2118Ser; replaces alanine 2118 with serine.
Molecular consequence: missense variant.
Genome position (GRCh38, 1-based): chr1:43,437,656, G>T. VCF-style: chr1-43437656-G-T. GRCh37 (hg19) VCF-style: chr1-43903327-G-T.
Other names: c.6181G>T, p.Ala2061Ser (NM_015284.4); short protein forms A2118S, A2061S.
Identifiers: ClinVar variation 963803 (VCV000963803.9), dbSNP rs765248092, ClinGen allele CA809855.
Genomic context (GRCh38, chr1:43,437,656, plus strand): 5'-CTCCTAGAGACATCCTGCAGTGACCGGCCATGGAAAGGGGATGCGCTGCCCCCTTCCCTC[G>T]CTCTGTCCCGAAGCCAAGAGCCCATCTACTCTGAGGAAGCCTCGGCATGTATCACTCCCA-3'
Protein context (NP_001352928.1, residues 2108-2128): WKGDALPPSL[Ala2118Ser]LSRSQEPIYS

ClinVar aggregate classification (germline): Uncertain significance (1 of 4 stars; one submission).

Allele frequency attached by ClinVar (database versions not stated): TOPMed below 0.00001; ExAC 0.00002.
gnomAD v4.1: 11 of 1,614,006 alleles (0.00068%); highest among the groups gnomAD compares: Middle Eastern, 0.049%; no homozygotes.

Submission:

Labcorp Genetics (formerly Invitae), Labcorp
Classification: Uncertain significance. Last evaluated: 2025-05-19. Review status: criteria provided, single submitter. Criteria: Invitae Variant Classification Sherloc (09022015). Collection method: clinical testing. Allele origin: germline.
Comment: This sequence change replaces alanine, which is neutral and non-polar, with serine, which is neutral and polar, at codon 2061 of the SZT2 protein (p.Ala2061Ser). This variant is present in population databases (rs765248092, gnomAD 0.004%). This variant has not been reported in the literature in individuals affected with SZT2-related conditions. ClinVar contains an entry for this variant (Variation ID: 963803). Invitae Evidence Modeling of protein sequence and biophysical properties (such as structural, functional, and spatial information, amino acid conservation, physicochemical variation, residue mobility, and thermodynamic stability) indicates that this missense variant is not expected to disrupt SZT2 protein function with a negative predictive value of 80%. In summary, the available evidence is currently insufficient to determine the role of this variant in disease. Therefore, it has been classified as a Variant of Uncertain Significance.